The following is an entry in ClinVar:

NC_000017.10:g.(?_26684694)_(27581367_?)dup

Genes: ALDOC (aldolase, fructose-bisphosphate C; minus strand), BLTP2 (bridge-like lipid transfer protein family member 2; minus strand), CRYBA1 (crystallin beta A1; plus strand), DHRS13 (dehydrogenase/reductase 13; minus strand), ERAL1 (Era like 12S mitochondrial rRNA chaperone 1; plus strand) and 26 more. Cytogenetic location: 17q11.2.
Variant type: Duplication.
Identifiers: ClinVar variation 2425303 (VCV002425303.2).

ClinVar aggregate classification (germline): Uncertain significance (1 of 4 stars; one submission).

Submission:

Labcorp Genetics (formerly Invitae), Labcorp
Classification: Uncertain significance. Last evaluated: 2021-12-02. Review status: criteria provided, single submitter. Criteria: Invitae Variant Classification Sherloc (09022015). Collection method: clinical testing. Allele origin: germline.
Comment: A copy number gain of the genomic region encompassing the full coding sequence of the UNC119 gene has been identified. The boundaries of this event are unknown as they extend beyond the assayed region for this gene and therefore may encompass additional genes. As the precise location of this event is unknown, it may be in tandem or it may be located elsewhere in the genome. This variant has not been reported in the literature in individuals affected with UNC119-related conditions. In summary, the available evidence is currently insufficient to determine the role of this variant in disease. Therefore, it has been classified as a Variant of Uncertain Significance.